The following is an entry in ClinVar:

NM_000038.6(APC):c.2304del (p.Leu769fs)

Gene: APC (APC regulator of Wnt signaling pathway; plus strand). Cytogenetic location: 5q22.2.
Variant type: Deletion.
Coding change: c.2304del on transcript NM_000038.6 (MANE Select); coding-DNA position 2304, one base deleted (C; older notation c.2304delC).
Protein change: p.Leu769fs; shifts the reading frame from leucine 769.
Molecular consequence: frameshift variant.
Genome position (GRCh38, 1-based): chr5:112,837,898, C deleted. VCF-style (leftmost placement, unchanged base first): chr5-112837897-AC-A. GRCh37 (hg19) VCF-style: chr5-112173594-AC-A.
Other names: c.2304del, p.Leu769fs (NM_001127510.3, NM_001354895.2); c.2250del, p.Leu751fs (NM_001127511.3); c.2358del, p.Leu787fs (NM_001354896.2); c.2334del, p.Leu779fs (NM_001354897.2); c.2229del, p.Leu744fs (NM_001354898.2); c.2220del, p.Leu741fs (NM_001354899.2); c.2181del, p.Leu728fs (NM_001354900.2); c.2127del, p.Leu710fs (NM_001354901.2); and 16 more; short protein forms L741fs, L751fs, L769fs, L486fs, L643fs, L678fs, L609fs, L668fs.
Identifiers: ClinVar variation 1789338 (VCV001789338.4), dbSNP rs2533411050, ClinGen allele CA2580072548.

ClinVar aggregate classification (germline): Pathogenic. Review status: criteria provided, multiple submitters, no conflicts (2 of 4 stars). 2 submissions from 2 submitters: Pathogenic (2). Last evaluated 2023-05-04.

Conditions:
Hereditary cancer-predisposing syndrome. Also called: Hereditary Cancer Syndrome; Hereditary neoplastic syndrome; Tumor predisposition; Neoplastic Syndromes, Hereditary. Identifiers: Orphanet 140162, MedGen C0027672, MeSH D009386, MONDO:0015356.
Familial adenomatous polyposis 1 (FAP1). Also called: FAMILIAL ADENOMATOUS POLYPOSIS 1, ATTENUATED; POLYPOSIS, ADENOMATOUS INTESTINAL. Identifiers: MedGen C2713442, MONDO:0021056, OMIM 175100. Disease mechanism: loss of function.

Submissions (2):

Myriad Genetics, Inc.
Classification: Pathogenic for Familial adenomatous polyposis 1. Last evaluated: 2023-05-04. Review status: criteria provided, single submitter. Criteria: Myriad Autosomal Dominant, Autosomal Recessive and X-Linked Classification Criteria (2023). Collection method: clinical testing. Allele origin: unknown.
Comment: This variant is considered pathogenic. This variant creates a frameshift predicted to result in premature protein truncation.

Ambry Genetics
Classification: Pathogenic for Hereditary cancer-predisposing syndrome. Last evaluated: 2022-05-24. Review status: criteria provided, single submitter. Criteria: Ambry Variant Classification Scheme 2023. Collection method: clinical testing. Allele origin: germline.
Comment: The c.2304delC pathogenic mutation, located in coding exon 15 of the APC gene, results from a deletion of one nucleotide at nucleotide position 2304, causing a translational frameshift with a predicted alternate stop codon (p.L769Yfs*8). This alteration has been observed in at least one individual with a personal and/or family history that is consistent with APC-related disease (Ambry internal data). This alteration is expected to result in loss of function by premature protein truncation or nonsense-mediated mRNA decay. As such, this alteration is interpreted as a disease-causing mutation.